The following is an entry in ClinVar:

NM_014324.6(AMACR):c.775A>G (p.Met259Val)

Genes: AMACR (alpha-methylacyl-CoA racemase; minus strand), C1QTNF3-AMACR (C1QTNF3-AMACR readthrough (NMD candidate); minus strand). Cytogenetic location: 5p13.2.
Variant type: single nucleotide variant.
Coding change: c.775A>G on transcript NM_014324.6 (MANE Select); coding-DNA position 775, A replaced by G.
Protein change: p.Met259Val; replaces methionine 259 with valine.
Molecular consequence: missense variant. On other transcripts: non-coding transcript variant (1), 3 prime UTR variant (1).
Genome position (GRCh38, 1-based): chr5:33,989,467, T>C on the plus strand (A>G on the coding strand, the complement: AMACR is on the minus strand). VCF-style: chr5-33989467-T-C. GRCh37 (hg19) VCF-style: chr5-33989572-T-C.
Other names: c.775A>G, p.Met259Val (NM_001167595.2); c.*17A>G (NM_203382.3); short protein forms M259V.
Identifiers: ClinVar variation 1416706 (VCV001416706.3), dbSNP rs2112033298, ClinGen allele CA359399341.
Genomic context (GRCh38, chr5:33,989,467, plus strand): 5'-TCTTCTCTGCAAATACATCTGCAAACTTCTTCTTCATTTCTGGCCAATCATCCATGCTCA[T>C]CTGATTGGGAAGTTCATCAGACTTTAGTCCAAGTCCTGAGGAAAAATACAATTTCCTAAA-3'
Protein context (NP_055139.4, residues 249-269): GLKSDELPNQ[Met259Val]SMDDWPEMKK

ClinVar aggregate classification (germline): Uncertain significance (1 of 4 stars; one submission).

Conditions:
Alpha-methylacyl-CoA racemase deficiency (AMACRD). Also called: AMACR deficiency. Identifiers: Orphanet 79095, MedGen C3280428, MONDO:0013681, OMIM 614307. Disease mechanism: loss of function.

Allele frequency attached by ClinVar (database versions not stated): gnomAD exomes below 0.00001.
gnomAD v4.1: 1 of 1,614,214 alleles (0.000062%); highest among the groups gnomAD compares: Non-Finnish European, 0.000085%; no homozygotes.

Submission:

Labcorp Genetics (formerly Invitae), Labcorp
Classification: Uncertain significance for Alpha-methylacyl-CoA racemase deficiency. Last evaluated: 2022-09-07. Review status: criteria provided, single submitter. Criteria: Invitae Variant Classification Sherloc (09022015). Collection method: clinical testing. Allele origin: germline.
Comment: This sequence change replaces methionine, which is neutral and non-polar, with valine, which is neutral and non-polar, at codon 259 of the AMACR protein (p.Met259Val). This variant is not present in population databases (gnomAD no frequency). This variant has not been reported in the literature in individuals affected with AMACR-related conditions. ClinVar contains an entry for this variant (Variation ID: 1416706). Algorithms developed to predict the effect of missense changes on protein structure and function (SIFT, PolyPhen-2, Align-GVGD) all suggest that this variant is likely to be tolerated. Algorithms developed to predict the effect of sequence changes on RNA splicing suggest that this variant may create or strengthen a splice site. In summary, the available evidence is currently insufficient to determine the role of this variant in disease. Therefore, it has been classified as a Variant of Uncertain Significance.